The following is an entry in ClinVar:

ClinVar aggregate classification (germline): Benign. Review status: criteria provided, multiple submitters, no conflicts (2 of 4 stars). 2 submissions from 2 submitters: Benign (2). Last evaluated 2018-01-13.

Conditions:
Methylmalonate semialdehyde dehydrogenase deficiency (MMSDHD). Also called: MMSDH DEFICIENCY. Identifiers: Orphanet 289307, MedGen C3279840, MONDO:0013579, OMIM 614105.

Allele frequency attached by ClinVar (database versions not stated): 1000 Genomes Project 0.09585; 1000 Genomes Project 30x 0.09822; gnomAD 0.11048 and 0.11157; TOPMed 0.11694; gnomAD exomes 0.14380.
gnomAD v4.1: 143,316 of 1,032,704 alleles (14%); highest among the groups gnomAD compares: Admixed American, 20%; 10,714 homozygotes.

Submissions (2):

Illumina Laboratory Services, Illumina
Classification: Benign for Methylmalonate semialdehyde dehydrogenase deficiency. Last evaluated: 2018-01-13. Review status: criteria provided, single submitter. Criteria: ICSL Variant Classification Criteria 13 December 2019. Collection method: clinical testing. Allele origin: germline.
Comment: This variant was observed in the ICSL laboratory as part of a predisposition screen in an ostensibly healthy population. It had not been previously curated by ICSL or reported in the Human Gene Mutation Database (HGMD: prior to June 1st, 2018), and was therefore a candidate for classification through an automated scoring system. Utilizing variant allele frequency, disease prevalence and penetrance estimates, and inheritance mode, an automated score was calculated to assess if this variant is too frequent to cause the disease. Based on the score and internal cut-off values, a variant classified as benign is not then subjected to further curation. The score for this variant resulted in a classification of benign for this disease.

Breakthrough Genomics
Classification: Benign. Review status: criteria provided, single submitter. Criteria: ACMG Guidelines, 2015. Collection method: not provided. Allele origin: germline. Inheritance: Autosomal recessive inheritance. Affected: yes.

NM_005589.4(ALDH6A1):c.*2816T>C

Genes: ALDH6A1 (aldehyde dehydrogenase 6 family member A1; minus strand), BBOF1 (basal body orientation factor 1; plus strand). Cytogenetic location: 14q24.3.
Variant type: single nucleotide variant.
Coding change: c.*2816T>C on transcript NM_005589.4 (MANE Select); 2816 bases downstream of the stop codon, T replaced by C.
Molecular consequence: 3 prime UTR variant. On other transcripts: intron variant (1).
Genome position (GRCh38, 1-based): chr14:74,057,826, A>G on the plus strand (T>C on the coding strand, the complement: ALDH6A1 is on the minus strand). VCF-style: chr14-74057826-A-G. GRCh37 (hg19) VCF-style: chr14-74524529-A-G.
Other names: c.*2816T>C (NM_001278593.2, NM_001278594.2); c.1578+568A>G (NM_025057.3).
Identifiers: ClinVar variation 887992 (VCV000887992.5), dbSNP rs1536, ClinGen allele CA14062639.
Genomic context (GRCh38, chr14:74,057,826, plus strand): 5'-ACTGACTTTTTAGCCGCGATCACATGAATATAACTGATGAGTTTTTTTCATCTAAGAAAT[A>G]AGAAACTCTGAGCAGCAAATAGTTGGCCAGATGAGTTGTTTCTAATTAGAGCATCACAGT-3'